The following is an entry in ClinVar:

NM_015102.5(NPHP4):c.431T>A (p.Ile144Asn)

Gene: NPHP4 (nephrocystin 4; minus strand). Cytogenetic location: 1p36.31.
Variant type: single nucleotide variant.
Coding change: c.431T>A on transcript NM_015102.5 (MANE Select); coding-DNA position 431, T replaced by A.
Protein change: p.Ile144Asn; replaces isoleucine 144 with asparagine.
Molecular consequence: missense variant. On other transcripts: 5 prime UTR variant (2), non-coding transcript variant (1).
Genome position (GRCh38, 1-based): chr1:5,969,108, A>T on the plus strand (T>A on the coding strand, the complement: NPHP4 is on the minus strand). VCF-style: chr1-5969108-A-T. GRCh37 (hg19) VCF-style: chr1-6029168-A-T.
Other names: c.-799T>A (NM_001291593.2); c.-936T>A (NM_001291594.2); short protein forms I144N.
Identifiers: ClinVar variation 2076863 (VCV002076863.4), dbSNP rs2523721965, ClinGen allele CA338050093.
Genomic context (GRCh38, chr1:5,969,108, plus strand): 5'-CGCTGGAAAACCCCAGGGTTGTAGAAACAAGGCAGGTACCTTTTGTCCTGGGAAGCAGAG[A>T]TAGGAGAGTCCGGCTGGTTGCTGAAGATCCGAAGAATTCCAAACCCACAGGACAATGTCT-3'
Protein context (NP_055917.1, residues 134-154): RIFSNQPDSP[Ile144Asn]SASQDKRLRL

ClinVar aggregate classification (germline): Uncertain significance (1 of 4 stars; one submission).

Conditions:
Nephronophthisis. Also called: Juvenile Nephronophthisis. Identifiers: Orphanet 655, MedGen C0687120, MONDO:0019005, HP:0000090.

Submission:

Labcorp Genetics (formerly Invitae), Labcorp
Classification: Uncertain significance for Nephronophthisis. Last evaluated: 2022-07-19. Review status: criteria provided, single submitter. Criteria: Invitae Variant Classification Sherloc (09022015). Collection method: clinical testing. Allele origin: germline.
Comment: In summary, the available evidence is currently insufficient to determine the role of this variant in disease. Therefore, it has been classified as a Variant of Uncertain Significance. Algorithms developed to predict the effect of missense changes on protein structure and function (SIFT, PolyPhen-2, Align-GVGD) all suggest that this variant is likely to be tolerated. This variant has not been reported in the literature in individuals affected with NPHP4-related conditions. This variant is not present in population databases (gnomAD no frequency). This sequence change replaces isoleucine, which is neutral and non-polar, with asparagine, which is neutral and polar, at codon 144 of the NPHP4 protein (p.Ile144Asn).